The following is an entry in ClinVar:

ClinVar aggregate classification (germline): Likely benign (1 of 4 stars; one submission).

Allele frequency attached by ClinVar (database versions not stated): ESP Exome Variant Server 0.00023; gnomAD 0.00036; TOPMed 0.00045; gnomAD exomes 0.00061; ExAC 0.00067.
gnomAD v4.1: 961 of 1,608,200 alleles (0.06%); highest among the groups gnomAD compares: Middle Eastern, 0.79%; 2 homozygotes.

Submission:

CeGaT Center for Human Genetics Tuebingen
Classification: Likely benign. Last evaluated: 2022-03-01. Review status: criteria provided, single submitter. Criteria: CeGaT Center For Human Genetics Tuebingen Variant Classification Criteria Version 2. Collection method: clinical testing. Allele origin: germline. Affected: yes. Observed: 1 variant allele.
Comment: TTC39B: BP4

NM_152574.3(TTC39B):c.174-8A>G

Gene: TTC39B (tetratricopeptide repeat domain 39B; minus strand). Cytogenetic location: 9p22.3.
Variant type: single nucleotide variant.
Coding change: c.174-8A>G on transcript NM_152574.3 (MANE Select); 8 bases into the intron before coding-DNA position 174, A replaced by G.
Molecular consequence: intron variant.
Genome position (GRCh38, 1-based): chr9:15,214,257, T>C on the plus strand (A>G on the coding strand, the complement: TTC39B is on the minus strand). VCF-style: chr9-15214257-T-C. GRCh37 (hg19) VCF-style: chr9-15214255-T-C.
Other names: c.78-2860A>G (NM_001168341.2); c.174-8A>G (NM_001168339.2, NM_001168340.2); c.-124-8A>G (NM_001168342.2).
Identifiers: ClinVar variation 2659089 (VCV002659089.24), dbSNP rs371470245, ClinGen allele CA4992473.
Genomic context (GRCh38, chr9:15,214,257, plus strand): 5'-CCACAGCACATTCTTCGAGGCCACTCTTGAGATCCACCTTGGTTGATGATGAACTAAAGA[T>C]CAAGAAAAAAGCACAGAGAATTTCTATAGCTTTACGATCAGCAAGTTGTCCGAAGGGAGT-3'